The following is an entry in ClinVar:

NM_005560.6(LAMA5):c.7239+4A>T

Gene: LAMA5 (laminin subunit alpha 5; minus strand). Cytogenetic location: 20q13.33.
Variant type: single nucleotide variant.
Coding change: c.7239+4A>T on transcript NM_005560.6 (MANE Select); 4 bases into the intron after coding-DNA position 7239, A replaced by T.
Molecular consequence: intron variant.
Genome position (GRCh38, 1-based): chr20:62,318,450, T>A on the plus strand (A>T on the coding strand, the complement: LAMA5 is on the minus strand). VCF-style: chr20-62318450-T-A. GRCh37 (hg19) VCF-style: chr20-60893506-T-A.
Other names: p.?.
Identifiers: ClinVar variation 4684426 (VCV004684426.1).

ClinVar aggregate classification (germline): Likely benign (1 of 4 stars; one submission).

gnomAD v4.1: 90 of 1,595,446 alleles (0.0056%); highest among the groups gnomAD compares: African/African-American, 0.022%; no homozygotes.

Submission:

Mayo Clinic Laboratories, Mayo Clinic
Classification: Likely benign. Last evaluated: 2025-06-15. Review status: criteria provided, single submitter. Criteria: ACMG Guidelines, 2015. Collection method: clinical testing. Allele origin: germline. Observed: 2 variant alleles.
Comment: BP4, BP7, PM2_supporting